The following is an entry in ClinVar:

NM_001458.5(FLNC):c.5758C>A (p.Pro1920Thr)

Genes: FLNC (filamin C; plus strand), FLNC-AS1 (FLNC antisense RNA 1; minus strand). Cytogenetic location: 7q32.1.
Variant type: single nucleotide variant.
Coding change: c.5758C>A on transcript NM_001458.5 (MANE Select); coding-DNA position 5758, C replaced by A.
Protein change: p.Pro1920Thr; replaces proline 1920 with threonine.
Molecular consequence: missense variant.
Genome position (GRCh38, 1-based): chr7:128,851,544, C>A. VCF-style: chr7-128851544-C-A. GRCh37 (hg19) VCF-style: chr7-128491598-C-A.
Other names: c.5659C>A, p.Pro1887Thr (NM_001127487.2); short protein forms P1887T, P1920T.
Identifiers: ClinVar variation 1017992 (VCV001017992.16), dbSNP rs751937921, ClinGen allele CA4475773.

ClinVar aggregate classification (germline): Uncertain significance. Review status: criteria provided, multiple submitters, no conflicts (2 of 4 stars). 3 submissions from 3 submitters: Uncertain significance (3). Last evaluated 2025-11-13.

Conditions:
Cardiovascular phenotype. Identifiers: MedGen CN230736.
Hypertrophic cardiomyopathy 26. Also called: Cardiomyopathy, familial hypertrophic, 26. Identifiers: Orphanet 75249, MedGen C4310749, MONDO:0014883, OMIM 617047.
Myofibrillar myopathy 5. Also called: FILAMINOPATHY, AUTOSOMAL DOMINANT; Filaminopathy (type). Identifiers: Orphanet 171445, MedGen C1836050, MONDO:0012289, OMIM 609524.
Distal myopathy with posterior leg and anterior hand involvement. Also called: WILLIAMS DISTAL MYOPATHY. Identifiers: Orphanet 63273, MedGen C3279722, MONDO:0013550, OMIM 614065.

Allele frequency attached by ClinVar (database versions not stated): gnomAD exomes below 0.00001; gnomAD 0.00001.
gnomAD v4.1: 6 of 1,613,856 alleles (0.00037%); highest among the groups gnomAD compares: Non-Finnish European, 0.00042%; no homozygotes.

Submissions (3):

Labcorp Genetics (formerly Invitae), Labcorp
Classification: Uncertain significance for Distal myopathy with posterior leg and anterior hand involvement; Myofibrillar myopathy 5; Hypertrophic cardiomyopathy 26. Last evaluated: 2025-11-13. Review status: criteria provided, single submitter. Criteria: Invitae Variant Classification Sherloc (09022015). Collection method: clinical testing. Allele origin: germline.
Comment: This sequence change replaces proline, which is neutral and non-polar, with threonine, which is neutral and polar, at codon 1920 of the FLNC protein (p.Pro1920Thr). This variant is present in population databases (rs751937921, gnomAD 0.0009%). This variant has not been reported in the literature in individuals affected with FLNC-related conditions. ClinVar contains an entry for this variant (Variation ID: 1017992). Invitae Evidence Modeling of protein sequence and biophysical properties (such as structural, functional, and spatial information, amino acid conservation, physicochemical variation, residue mobility, and thermodynamic stability) has been performed for this missense variant. However, the output from this modeling did not meet the statistical confidence thresholds required to predict the impact of this variant on FLNC protein function. In summary, the available evidence is currently insufficient to determine the role of this variant in disease. Therefore, it has been classified as a Variant of Uncertain Significance.

GeneDx
Classification: Uncertain significance. Last evaluated: 2025-10-01. Review status: criteria provided, single submitter. Criteria: GeneDx Variant Classification Process June 2021. Collection method: clinical testing. Allele origin: germline. Affected: yes.
Comment: Not observed at significant frequency in large population cohorts (gnomAD); In silico analysis supports that this missense variant has a deleterious effect on protein structure/function; Has not been previously published as pathogenic or benign to our knowledge

Ambry Genetics
Classification: Uncertain significance for Cardiovascular phenotype. Last evaluated: 2025-02-20. Review status: criteria provided, single submitter. Criteria: Ambry Variant Classification Scheme 2023. Collection method: clinical testing. Allele origin: germline.
Comment: The p.P1920T variant (also known as c.5758C>A), located in coding exon 35 of the FLNC gene, results from a C to A substitution at nucleotide position 5758. The proline at codon 1920 is replaced by threonine, an amino acid with highly similar properties. This amino acid position is highly conserved in available vertebrate species. In addition, this alteration is predicted to be deleterious by in silico analysis. Since supporting evidence is limited at this time, the clinical significance of this alteration remains unclear.